The following is an entry in ClinVar:

ClinVar aggregate classification (germline): Uncertain significance (1 of 4 stars; one submission).

Submission:

GeneDx
Classification: Uncertain significance. Last evaluated: 2024-10-06. Review status: criteria provided, single submitter. Criteria: GeneDx Variant Classification Process June 2021. Collection method: clinical testing. Allele origin: germline. Affected: yes.
Comment: Not observed at significant frequency in large population cohorts (gnomAD); In silico analysis indicates that this missense variant does not alter protein structure/function; Has not been previously published as pathogenic or benign to our knowledge

NM_001164760.2(PRKAR1B):c.1103G>A (p.Arg368Lys)

Gene: PRKAR1B (protein kinase cAMP-dependent type I regulatory subunit beta; minus strand). Cytogenetic location: 7p22.3.
Variant type: single nucleotide variant.
Coding change: c.1103G>A on transcript NM_001164760.2 (MANE Select); coding-DNA position 1103, G replaced by A.
Protein change: p.Arg368Lys; replaces arginine 368 with lysine.
Molecular consequence: missense variant.
Genome position (GRCh38, 1-based): chr7:550,473, C>T on the plus strand (G>A on the coding strand, the complement: PRKAR1B is on the minus strand). VCF-style: chr7-550473-C-T. GRCh37 (hg19) VCF-style: chr7-590110-C-T.
Other names: c.1103G>A, p.Arg368Lys (NM_001164758.2, NM_001164759.1, NM_001164761.2 and 2 more transcripts); short protein forms R368K.
Identifiers: ClinVar variation 3776324 (VCV003776324.1).
Genomic context (GRCh38, chr7:550,473, plus strand): 5'-CAGGGCGGGAGCTGTGCTCAGACGGTGAGGGAGATGAAGCTGTTGTAACGCTGAATGTTC[C>T]TCTTGAGGATCTCAGAGCAGGGCCCCAGCACACGCTCGAAGCGGGGCCGGTCCAGCTTCA-3'
Protein context (NP_001158232.1, residues 358-378): VLGPCSEILK[Arg368Lys]NIQRYNSFIS